The following is an entry in ClinVar:

NM_002160.4(TNC):c.4543A>G (p.Ile1515Val)

Gene: TNC (tenascin C; minus strand). Cytogenetic location: 9q33.1.
Variant type: single nucleotide variant.
Coding change: c.4543A>G on transcript NM_002160.4 (MANE Select); coding-DNA position 4543, A replaced by G.
Protein change: p.Ile1515Val; replaces isoleucine 1515 with valine.
Molecular consequence: missense variant.
Genome position (GRCh38, 1-based): chr9:115,057,189, T>C on the plus strand (A>G on the coding strand, the complement: TNC is on the minus strand). VCF-style: chr9-115057189-T-C. GRCh37 (hg19) VCF-style: chr9-117819468-T-C.
Other names: short protein forms I1515V.
Identifiers: ClinVar variation 1227583 (VCV001227583.8), dbSNP rs138049593, ClinGen allele CA5207917.

ClinVar aggregate classification (germline): Conflicting classifications of pathogenicity. Review status: criteria provided, conflicting classifications (1 of 4 stars). 3 submissions from 3 submitters: Uncertain significance (1); Likely benign (1). 1 of the submissions does not count toward it. Last evaluated 2022-01-03.

Conditions:
TNC-related disorder. Also called: TNC-related condition.

Allele frequency attached by ClinVar (database versions not stated): gnomAD exomes 0.00003 and 0.00008; ExAC 0.00012; 1000 Genomes Project 30x 0.00016; 1000 Genomes Project 0.00020; TOPMed 0.00044; ESP Exome Variant Server 0.00046; gnomAD 0.00048 and 0.00052.
gnomAD v4.1: 128 of 1,613,924 alleles (0.0079%); highest among the groups gnomAD compares: African/African-American, 0.16%; no homozygotes.

Submissions (3):

Ambry Genetics
Classification: Uncertain significance. Last evaluated: 2022-01-03. Review status: criteria provided, single submitter. Criteria: Ambry Variant Classification Scheme 2023. Collection method: clinical testing. Allele origin: germline.

GeneDx
Classification: Likely benign. Last evaluated: 2020-11-12. Review status: criteria provided, single submitter. Criteria: GeneDx Variant Classification Process June 2021. Collection method: clinical testing. Allele origin: germline. Affected: yes.

PreventionGenetics, part of Exact Sciences
Classification: Likely benign for TNC-related condition. Last evaluated: 2023-05-10. Review status: no assertion criteria provided. Collection method: clinical testing. Allele origin: germline. Not counted in ClinVar's aggregate classification.
Comment: This variant is classified as likely benign based on ACMG/AMP sequence variant interpretation guidelines (Richards et al. 2015 PMID: 25741868, with internal and published modifications).